The following is an entry in ClinVar:

ClinVar aggregate classification (germline): Uncertain significance (1 of 4 stars; one submission).

Conditions:
Hereditary sensory and autonomic neuropathy type 6. Also called: HSAN VI; Neuropathy, hereditary sensory and autonomic, type VI. Identifiers: Orphanet 314381, MedGen C3539003, MONDO:0013839, OMIM 614653.
Epidermolysis bullosa simplex 3, localized or generalized intermediate, with BP230 deficiency (EBS3). Also called: Epidermolysis bullosa simplex due to BP230 deficiency; Epidermolysis bullosa simplex, autosomal recessive 2. Identifiers: Orphanet 412181, MedGen C3809470, MONDO:0014180, OMIM 615425.

Allele frequency attached by ClinVar (database versions not stated): gnomAD 0.00001 and 0.00003; TOPMed 0.00001; ExAC 0.00002; gnomAD exomes 0.00002 and 0.00004.
gnomAD v4.1: 33 of 1,613,850 alleles (0.002%); highest among the groups gnomAD compares: South Asian, 0.021%; no homozygotes.

Submission:

Labcorp Genetics (formerly Invitae), Labcorp
Classification: Uncertain significance for Epidermolysis bullosa simplex 3, localized or generalized intermediate, with BP230 deficiency; Hereditary sensory and autonomic neuropathy type 6. Last evaluated: 2021-12-30. Review status: criteria provided, single submitter. Criteria: Invitae Variant Classification Sherloc (09022015). Collection method: clinical testing. Allele origin: germline.
Comment: In summary, the available evidence is currently insufficient to determine the role of this variant in disease. Therefore, it has been classified as a Variant of Uncertain Significance. Algorithms developed to predict the effect of missense changes on protein structure and function (SIFT, PolyPhen-2, Align-GVGD) all suggest that this variant is likely to be disruptive. ClinVar contains an entry for this variant (Variation ID: 946235). This variant has not been reported in the literature in individuals affected with DST-related conditions. The frequency data for this variant in the population databases is considered unreliable, as metrics indicate poor data quality at this position in the gnomAD database. This sequence change replaces proline, which is neutral and non-polar, with leucine, which is neutral and non-polar, at codon 565 of the DST protein (p.Pro565Leu).

NM_001374736.1(DST):c.3305C>T (p.Pro1102Leu)

Gene: DST (dystonin; minus strand). Cytogenetic location: 6p12.1.
Variant type: single nucleotide variant.
Coding change: c.3305C>T on transcript NM_001374736.1 (MANE Select); coding-DNA position 3305, C replaced by T.
Protein change: p.Pro1102Leu; replaces proline 1102 with leucine.
Molecular consequence: missense variant.
Genome position (GRCh38, 1-based): chr6:56,634,835, G>A on the plus strand (C>T on the coding strand, the complement: DST is on the minus strand). VCF-style: chr6-56634835-G-A. GRCh37 (hg19) VCF-style: chr6-56499633-G-A.
Other names: c.3206C>T, p.Pro1069Leu (NM_001144769.5); c.2792C>T, p.Pro931Leu (NM_001144770.2); c.3305C>T, p.Pro1102Leu (NM_001374722.1); c.2672C>T, p.Pro891Leu (NM_001374729.1, NM_001374730.1, NM_001386100.1 and 1 more transcripts); c.3332C>T, p.Pro1111Leu (NM_001374734.1); c.1694C>T, p.Pro565Leu (NM_001723.7, NM_015548.5); short protein forms P1069L, P1102L, P565L, P931L, P1111L, P891L.
Identifiers: ClinVar variation 946235 (VCV000946235.10), dbSNP rs751358190, ClinGen allele CA3871197.
Genomic context (GRCh38, chr6:56,634,835, plus strand): 5'-GGTCTGTTTCTAGGAGTTACAAGTACCTCAATTTGTCTGTAGTCACAGATAGCTTTGATC[G>A]GAATAGAAGTTTTGAGTGGACAGTCAGAATTCCTTGGCTTCAGTTGAATTATTGTTTTTG-3'
Protein context (NP_001361665.1, residues 1092-1112): NSDCPLKTSI[Pro1102Leu]IKAICDYRQI